The following is an entry in ClinVar:

ClinVar aggregate classification (germline): Pathogenic/Likely pathogenic. Review status: criteria provided, multiple submitters, no conflicts (2 of 4 stars). 11 submissions from 10 submitters: Pathogenic (6); Likely pathogenic (3). 2 of the submissions do not count toward it. Last evaluated 2025-11-04.

Conditions:
Rare genetic deafness. Identifiers: Orphanet 96210, MedGen C5680250.
USH2A-related disorder. Also called: USH2A-related condition; USH2A-related disorders. Identifiers: MedGen CN239332.
Usher syndrome. Also called: Usher Syndromes; Usher's syndrome. Identifiers: Orphanet 886, MedGen CN469326, MeSH D052245, MONDO:0019501. Disease mechanism: loss of function.
Retinal dystrophy. Also called: Inherited retinal dystrophy. Identifiers: Orphanet 71862, MedGen C0854723, MeSH D058499, MONDO:0019118, HP:0000556.
Usher syndrome type 2A. Also called: USHER SYNDROME, TYPE IIA; RETINAL DISEASE IN USHER SYNDROME TYPE IIA, MODIFIER OF. Identifiers: Orphanet 231178, Orphanet 886, MedGen C1848634, MONDO:0010169, OMIM 276901.
Retinitis pigmentosa 39 (RP39). Identifiers: Orphanet 791, MedGen C3151138, MONDO:0013436, OMIM 613809.
Cone-rod dystrophy. Also called: Cone-rod degeneration; Cone/cone-rod dystrophy. Identifiers: Orphanet 1872, MedGen C4085590, MONDO:0015993, HP:0000548.

Allele frequency attached by ClinVar (database versions not stated): gnomAD 0.00001; gnomAD exomes 0.00001; TOPMed 0.00001.
gnomAD v4.1: 11 of 1,613,582 alleles (0.00068%); highest among the groups gnomAD compares: Non-Finnish European, 0.00068%; no homozygotes.

Submissions (11):

Natera, Inc.
Classification: Pathogenic for Usher syndrome type 2A. Last evaluated: 2025-11-04. Review status: criteria provided, single submitter. Criteria: Natera Variant Classification Schema (03/2026). Collection method: clinical testing. Allele origin: germline.
Comment: The c.14911C>T variant in USH2A is a nonsense variant predicted to introduce a stop codon at amino acid 4971. This variant is expected to result in nonsense mediated decay, truncation, or a dysfunctional protein product. This variant is rare in the general population with a frequency below the threshold expected for the associated phenotype(s). This variant has been observed in one or more individuals affected with the associated recessive disease, as either homozygous or compound heterozygous with a second variant (PMID: 22135276, 26338283, 38189974, 37981655). Additionally, this variant has been observed to segregate in affected family members (PMID: 38189974). Given the available evidence, this variant is classified as Pathogenic.

Labcorp Genetics (formerly Invitae), Labcorp
Classification: Pathogenic. Last evaluated: 2025-05-29. Review status: criteria provided, single submitter. Criteria: Invitae Variant Classification Sherloc (09022015). Collection method: clinical testing. Allele origin: germline.
Comment: This sequence change creates a premature translational stop signal (p.Arg4971*) in the USH2A gene. It is expected to result in an absent or disrupted protein product. Loss-of-function variants in USH2A are known to be pathogenic (PMID: 10729113, 10909849, 20507924, 25649381). The frequency data for this variant in the population databases is considered unreliable, as metrics indicate poor data quality at this position in the gnomAD database. This premature translational stop signal has been observed in individual(s) with clinical features of Usher syndrome (PMID: 22135276). ClinVar contains an entry for this variant (Variation ID: 48449). For these reasons, this variant has been classified as Pathogenic.

Baylor Genetics
Classification: Pathogenic for Retinitis pigmentosa 39. Last evaluated: 2024-03-13. Review status: criteria provided, single submitter. Criteria: ACMG Guidelines, 2015. Collection method: clinical testing. Allele origin: unknown.

Genome-Nilou Lab
Classification: Likely pathogenic for Retinitis pigmentosa 39. Last evaluated: 2023-11-04. Review status: criteria provided, single submitter. Criteria: ACMG Guidelines, 2015. Collection method: clinical testing. Allele origin: germline. Affected: no.

Genome-Nilou Lab
Classification: Likely pathogenic for Usher syndrome type 2A. Last evaluated: 2023-11-04. Review status: criteria provided, single submitter. Criteria: ACMG Guidelines, 2015. Collection method: clinical testing. Allele origin: germline. Affected: no.

Women's Health and Genetics/Laboratory Corporation of America, LabCorp
Classification: Likely pathogenic for Usher syndrome. Last evaluated: 2023-01-05. Review status: criteria provided, single submitter. Criteria: LabCorp Variant Classification Summary - May 2015. Collection method: clinical testing. Allele origin: germline.
Comment: Variant summary: USH2A c.14911C>T (p.Arg4971X) results in a premature termination codon, predicted to cause a truncation of the encoded protein or absence of the protein due to nonsense mediated decay, which are commonly known mechanisms for disease. Truncations downstream of this position have been classified as pathogenic by our laboratory. The variant was absent in 251096 control chromosomes (gnomAD). c.14911C>T has been reported in the literature in individuals affected with Usher Syndrome and Cone-rod dystrophy (examples: Le_2012, Jiang_2015, and Jaspersgaard_2018). These data indicate that the variant may be associated with disease. To our knowledge, no experimental evidence demonstrating an impact on protein function has been reported. Three clinical diagnostic laboratories have submitted clinical-significance assessments for this variant to ClinVar after 2014 and all classified the variant as pathogenic. Based on the evidence outlined above, the variant was classified as likely pathogenic.

Blueprint Genetics
Classification: Pathogenic for USH2A-related disorders. Last evaluated: 2022-08-17. Review status: criteria provided, single submitter. Criteria: ACMG Guidelines, 2015. Collection method: clinical testing. Allele origin: germline. Affected: yes. Observed: 5 variant alleles.

Institute of Human Genetics, Univ. Regensburg, Univ. Regensburg
Classification: Pathogenic for Retinal dystrophy. Last evaluated: 2022-01-01. Review status: criteria provided, single submitter. Criteria: ACMG Guidelines, 2015. Collection method: clinical testing. Allele origin: germline. Affected: yes.

Laboratory for Molecular Medicine, Mass General Brigham Personalized Medicine
Classification: Pathogenic for Rare genetic deafness. Last evaluated: 2012-09-11. Review status: criteria provided, single submitter. Criteria: LMM Criteria. Collection method: clinical testing. Allele origin: germline. Inheritance: Autosomal recessive inheritance. Observed: 1 variant allele.
Comment: The Arg4971X variant in USH2A has been reported in one individual with Usher syn drome in combination with the Glu767fs pathogenic variant (Le Quesne Stabej 2012 ). This nonsense variant leads to a premature termination codon at position 4971 , which is predicted to lead to a truncated or absent protein. In summary, this variant meets our criteria to be classified as pathogenic (.org/LMM).

Department of Clinical Genetics, Copenhagen University Hospital, Rigshospitalet
Classification: Pathogenic for Cone-rod dystrophy. Last evaluated: 2018-04-01. Review status: no assertion criteria provided. Collection method: research. Allele origin: unknown. Affected: yes. Study: VeluxRD. Not counted in ClinVar's aggregate classification.

Counsyl
Classification: Pathogenic for Usher syndrome type 2A; Retinitis pigmentosa 39. Last evaluated: 2018-01-09. Review status: no assertion criteria provided. Collection method: clinical testing. Allele origin: unknown. Not counted in ClinVar's aggregate classification.

Literature cited by the submitters: PubMed 22135276 (cited by 6 submitters); PubMed 26338283 (cited by 3 submitters); PubMed 38189974 (cited by Natera, Inc.); PubMed 37981655 (cited by Natera, Inc.); PubMed 10729113 (cited by Labcorp Genetics (formerly Invitae), Labcorp); PubMed 10909849 (cited by Labcorp Genetics (formerly Invitae), Labcorp); PubMed 20507924 (cited by Labcorp Genetics (formerly Invitae), Labcorp); PubMed 25649381 (cited by Labcorp Genetics (formerly Invitae), Labcorp); PubMed 31998945 (cited by Women's Health and Genetics/Laboratory Corporation of America, LabCorp); PubMed 30718709 (cited by Women's Health and Genetics/Laboratory Corporation of America, LabCorp and Department of Clinical Genetics, Copenhagen University Hospital, Rigshospitalet); PubMed 32675063 (cited by Women's Health and Genetics/Laboratory Corporation of America, LabCorp and Institute of Human Genetics, Univ. Regensburg, Univ. Regensburg); PubMed 31266775 (cited by Women's Health and Genetics/Laboratory Corporation of America, LabCorp and Institute of Human Genetics, Univ. Regensburg, Univ. Regensburg); PubMed 33691693 (cited by Women's Health and Genetics/Laboratory Corporation of America, LabCorp and Institute of Human Genetics, Univ. Regensburg, Univ. Regensburg); PubMed 18665195 (cited by Laboratory for Molecular Medicine, Mass General Brigham Personalized Medicine).

NM_206933.4(USH2A):c.14911C>T (p.Arg4971Ter)

Gene: USH2A (usherin; minus strand). Cytogenetic location: 1q41.
Variant type: single nucleotide variant.
Coding change: c.14911C>T on transcript NM_206933.4 (MANE Select); coding-DNA position 14911, C replaced by T.
Protein change: p.Arg4971Ter; replaces arginine 4971 with a stop codon.
Molecular consequence: nonsense.
Genome position (GRCh38, 1-based): chr1:215,640,615, G>A on the plus strand (C>T on the coding strand, the complement: USH2A is on the minus strand). VCF-style: chr1-215640615-G-A. GRCh37 (hg19) VCF-style: chr1-215813957-G-A.
Other names: short protein forms R4971*.
Identifiers: ClinVar variation 48449 (VCV000048449.21), dbSNP rs397517994, ClinGen allele CA262093.